The following is an entry in ClinVar:

ClinVar aggregate classification (germline): Uncertain significance (1 of 4 stars; one submission).

Submission:

GeneDx
Classification: Uncertain significance. Last evaluated: 2024-11-26. Review status: criteria provided, single submitter. Criteria: GeneDx Variant Classification Process June 2021. Collection method: clinical testing. Allele origin: germline. Affected: yes.
Comment: Not observed at significant frequency in large population cohorts (gnomAD); In silico analysis supports that this missense variant has a deleterious effect on protein structure/function; Has not been previously published as pathogenic or benign to our knowledge

NM_002161.6(IARS1):c.1048T>G (p.Cys350Gly)

Gene: IARS1 (isoleucyl-tRNA synthetase 1; minus strand). Cytogenetic location: 9q22.31.
Variant type: single nucleotide variant.
Coding change: c.1048T>G on transcript NM_002161.6 (MANE Select); coding-DNA position 1048, T replaced by G.
Protein change: p.Cys350Gly; replaces cysteine 350 with glycine.
Molecular consequence: missense variant. On other transcripts: non-coding transcript variant (1).
Genome position (GRCh38, 1-based): chr9:92,271,598, A>C on the plus strand (T>G on the coding strand, the complement: IARS1 is on the minus strand). VCF-style: chr9-92271598-A-C. GRCh37 (hg19) VCF-style: chr9-95033880-A-C.
Other names: c.1048T>G, p.Cys350Gly (NM_001374299.1, NM_001374300.1, NM_001374301.1 and 14 more transcripts); c.1111T>G, p.Cys371Gly (NM_001378569.1); c.1069T>G, p.Cys357Gly (NM_001378571.1); c.925T>G, p.Cys309Gly (NM_001378583.1); short protein forms C309G, C350G, C357G, C371G.
Identifiers: ClinVar variation 1314968 (VCV001314968.3), dbSNP rs2133874020, ClinGen allele CA373804321.